The following is an entry in ClinVar:

ClinVar aggregate classification (germline): Benign. Review status: criteria provided, multiple submitters, no conflicts (2 of 4 stars). 8 submissions from 8 submitters: Benign (6). 2 of the submissions do not count toward it. Last evaluated 2026-02-04.

Conditions:
Collagen 6-related myopathy. Identifiers: MedGen CN117976, MONDO:0100225.
Bethlem myopathy 1A. Also called: Bethlem myopathy 1; Bethlem Muscular Dystrophy; MYOPATHY, BENIGN CONGENITAL, WITH CONTRACTURES. Identifiers: Orphanet 610, MedGen CN029274, MONDO:0024530, OMIM 158810.

Allele frequency attached by ClinVar (database versions not stated): 1000 Genomes Project 30x 0.36868; ESP Exome Variant Server 0.24600; gnomAD 0.28523 and 0.29402; TOPMed 0.29433; gnomAD exomes 0.36400; ExAC 0.37662; 1000 Genomes Project 0.37520.
gnomAD v4.1: 489,267 of 1,609,230 alleles (30%); highest among the groups gnomAD compares: East Asian, 62%; 80,183 homozygotes.

Submissions (8):

Labcorp Genetics (formerly Invitae), Labcorp
Classification: Benign for Bethlem myopathy 1A. Last evaluated: 2026-02-04. Review status: criteria provided, single submitter. Criteria: Invitae Variant Classification Sherloc (09022015). Collection method: clinical testing. Allele origin: germline.

Illumina Laboratory Services, Illumina
Classification: Benign for Collagen VI-related myopathy. Last evaluated: 2018-01-13. Review status: criteria provided, single submitter. Criteria: ICSL Variant Classification Criteria 13 December 2019. Collection method: clinical testing. Allele origin: germline.
Comment: This variant was observed in the ICSL laboratory as part of a predisposition screen in an ostensibly healthy population. It had not been previously curated by ICSL or reported in the Human Gene Mutation Database (HGMD: prior to June 1st, 2018), and was therefore a candidate for classification through an automated scoring system. Utilizing variant allele frequency, disease prevalence and penetrance estimates, and inheritance mode, an automated score was calculated to assess if this variant is too frequent to cause the disease. Based on the score and internal cut-off values, a variant classified as benign is not then subjected to further curation. The score for this variant resulted in a classification of benign for this disease.

GeneDx
Classification: Benign. Last evaluated: 2016-01-05. Review status: criteria provided, single submitter. Criteria: GeneDx Variant Classification (06012015). Collection method: clinical testing. Allele origin: germline. Affected: yes.
Comment: This variant is considered likely benign or benign based on one or more of the following criteria: it is a conservative change, it occurs at a poorly conserved position in the protein, it is predicted to be benign by multiple in silico algorithms, and/or has population frequency not consistent with disease.

Eurofins Ntd Llc (ga)
Classification: Benign. Last evaluated: 2014-10-14. Review status: criteria provided, single submitter. Criteria: EGL Classification Definitions 2015. Collection method: clinical testing. Allele origin: germline. Observed: 54 variant alleles, 40 heterozygotes, 14 homozygotes.

Breakthrough Genomics
Classification: Benign. Review status: criteria provided, single submitter. Criteria: ACMG Guidelines, 2015. Collection method: not provided. Allele origin: germline. Inheritance: Autosomal recessive inheritance. Affected: yes.

PreventionGenetics, part of Exact Sciences
Classification: Benign. Review status: criteria provided, single submitter. Criteria: ACMG Guidelines, 2015. Collection method: clinical testing. Allele origin: germline.

Clinical Genetics, Academic Medical Center
Classification: Benign. Review status: no assertion criteria provided. Collection method: clinical testing. Allele origin: germline. Affected: yes. Study: VKGL Data-share Consensus. Not counted in ClinVar's aggregate classification.

Joint Genome Diagnostic Labs from Nijmegen and Maastricht, Radboudumc and MUMC+
Classification: Benign. Review status: no assertion criteria provided. Collection method: clinical testing. Allele origin: germline. Affected: yes. Study: VKGL Data-share Consensus. Not counted in ClinVar's aggregate classification.

NM_001848.3(COL6A1):c.1957-11C>T

Gene: COL6A1 (collagen type VI alpha 1 chain; plus strand). Cytogenetic location: 21q22.3.
Variant type: single nucleotide variant.
Coding change: c.1957-11C>T on transcript NM_001848.3 (MANE Select); 11 bases into the intron before coding-DNA position 1957, C replaced by T.
Molecular consequence: intron variant.
Genome position (GRCh38, 1-based): chr21:46,001,950, C>T. VCF-style: chr21-46001950-C-T. GRCh37 (hg19) VCF-style: chr21-47421864-C-T.
Identifiers: ClinVar variation 93842 (VCV000093842.22), dbSNP rs8132521, ClinGen allele CA147354.